The following is an entry in ClinVar:

NM_001429.4(EP300):c.730A>G (p.Met244Val)

Gene: EP300 (EP300 lysine acetyltransferase; plus strand). Cytogenetic location: 22q13.2.
Variant type: single nucleotide variant.
Coding change: c.730A>G on transcript NM_001429.4 (MANE Select); coding-DNA position 730, A replaced by G.
Protein change: p.Met244Val; replaces methionine 244 with valine.
Molecular consequence: missense variant.
Genome position (GRCh38, 1-based): chr22:41,125,864, A>G. VCF-style: chr22-41125864-A-G. GRCh37 (hg19) VCF-style: chr22-41521868-A-G.
Other names: c.730A>G, p.Met244Val (NM_001362843.2); short protein forms M244V.
Identifiers: ClinVar variation 4750994 (VCV004750994.1).
Genomic context (GRCh38, chr22:41,125,864, plus strand): 5'-GGAATAATAATGTCTTAAATTTTATTGCTTATTTTGTTTTCTTTTGTTTCTTACTCTTAG[A>G]TGGGAATGATGAACAACCCCAATCCTTATGGTTCACCATATACTCAGAATCCTGGACAGC-3'
Protein context (NP_001420.2, residues 234-254): TGLRGPQPLK[Met244Val]GMMNNPNPYG

ClinVar aggregate classification (germline): Uncertain significance (1 of 4 stars; one submission).

Conditions:
Rubinstein-Taybi syndrome due to EP300 haploinsufficiency. Also called: EP300-Related Rubinstein-Taybi Syndrome; RUBINSTEIN-TAYBI SYNDROME 2. Identifiers: Orphanet 353284, Orphanet 783, MedGen C3150941, MONDO:0013364, OMIM 613684.

Submission:

Labcorp Genetics (formerly Invitae), Labcorp
Classification: Uncertain significance for Rubinstein-Taybi syndrome due to EP300 haploinsufficiency. Last evaluated: 2025-05-09. Review status: criteria provided, single submitter. Criteria: Invitae Variant Classification Sherloc (09022015). Collection method: clinical testing. Allele origin: germline.
Comment: This sequence change replaces methionine, which is neutral and non-polar, with valine, which is neutral and non-polar, at codon 244 of the EP300 protein (p.Met244Val). This variant is present in population databases (rs201264432, gnomAD 0.006%). This variant has not been reported in the literature in individuals affected with EP300-related conditions. An algorithm developed to predict the effect of missense changes on protein structure and function outputs the following: PolyPhen-2: "Not Available". The valine amino acid residue is found in multiple mammalian species, which suggests that this missense change does not adversely affect protein function. In summary, the available evidence is currently insufficient to determine the role of this variant in disease. Therefore, it has been classified as a Variant of Uncertain Significance.